The following is an entry in ClinVar:

NM_022369.4(STRA6):c.1301-6T>A

Gene: STRA6 (signaling receptor and transporter of retinol STRA6; minus strand). Cytogenetic location: 15q24.1.
Variant type: single nucleotide variant.
Coding change: c.1301-6T>A on transcript NM_022369.4 (MANE Select); 6 bases into the intron before coding-DNA position 1301, T replaced by A.
Molecular consequence: intron variant.
Genome position (GRCh38, 1-based): chr15:74,182,466, A>T on the plus strand (T>A on the coding strand, the complement: STRA6 is on the minus strand). VCF-style: chr15-74182466-A-T. GRCh37 (hg19) VCF-style: chr15-74474807-A-T.
Other names: c.1412-6T>A (NM_001199040.2); c.1274-6T>A (NM_001142619.2); c.1301-6T>A (NM_001142617.2, NM_001142618.2); c.1346-6T>A (NM_001199041.2); c.1418-6T>A (NM_001199042.2).
Identifiers: ClinVar variation 984925 (VCV000984925.1), dbSNP rs1367215268, ClinGen allele CA1139664086.
Genomic context (GRCh38, chr15:74,182,466, plus strand): 5'-AGGAAGGCCAGGGCCGTGGTTCCCAGGAAGAAGATGATCTGCTGCACCAGGAGCCCTGCC[A>T]GGGGCGGGAGTGGCAGGGGGACAGAAAACAGGTTCCATGAAAACTGGCCATCCCCGCTGC-3'

ClinVar aggregate classification (germline): Pathogenic (1 of 4 stars; one submission).

Conditions:
Microphthalmia, syndromic 9. Also called: PULMONARY AGENESIS, MICROPHTHALMIA, AND DIAPHRAGMATIC DEFECT; SPEAR SYNDROME; Matthew-Wood syndrome; ANOPHTHALMIA, CLINICAL, WITH MILD FACIAL DYSMORPHISM AND VARIABLE MALFORMATIONS OF THE LUNG, HEART, AND DIAPHRAGM; ANOPHTHALMIA/MICROPHTHALMIA AND PULMONARY HYPOPLASIA. Identifiers: Orphanet 2470, MedGen C1832661, MONDO:0011010, OMIM 601186.

Allele frequency attached by ClinVar (database versions not stated): gnomAD exomes below 0.00001.
gnomAD v4.1: 1 of 1,604,598 alleles (0.000062%); no homozygotes.

Submission:

Rady Children's Institute for Genomic Medicine, Rady Children's Hospital San Diego
Classification: Pathogenic for MICROPHTHALMIA, SYNDROMIC 9. Last evaluated: 2020-01-09. Review status: criteria provided, single submitter. Criteria: ACMG Guidelines, 2015. Collection method: clinical testing. Allele origin: germline. Affected: yes.
Comment: This variant has not been previously reported or functionally characterized in the literature to our knowledge. It is absent from the ExAC and gnomAD population databases and thus is presumed to be rare. Multiple splice prediction tools suggest this variant is likely to interfere with normal splicing. This variant, which occurs 6 bp upstream of the canonical splice acceptor site of intron 17, is predicted to introduce a new splice acceptor site 4 bp upstream of the canonical splice acceptor site. Based on the available evidence, the c.1418-6T>A variant is classified as Pathogenic.